The following is an entry in ClinVar:

NM_017875.4(SLC25A38):c.-209A>G

Gene: SLC25A38 (solute carrier family 25 member 38; plus strand). Cytogenetic location: 3p22.1.
Variant type: single nucleotide variant.
Coding change: c.-209A>G on transcript NM_017875.4 (MANE Select); 209 bases upstream of the start codon, A replaced by G.
Molecular consequence: 5 prime UTR variant.
Genome position (GRCh38, 1-based): chr3:39,383,516, A>G. VCF-style: chr3-39383516-A-G. GRCh37 (hg19) VCF-style: chr3-39425007-A-G.
Other names: c.-209A>G (LRG_1133t1, NM_001354798.2).
Identifiers: ClinVar variation 345140 (VCV000345140.9), dbSNP rs143903497, ClinGen allele CA10618705.

ClinVar aggregate classification (germline): Benign/Likely benign. Review status: criteria provided, multiple submitters, no conflicts (2 of 4 stars). 3 submissions from 3 submitters: Benign (1); Likely benign (2). Last evaluated 2018-06-28.

Conditions:
Sideroblastic anemia 2. Also called: Anemia, sideroblastic, 2, pyridoxine-refractory. Identifiers: Orphanet 260305, MedGen C4225425, MONDO:0008785, OMIM 205950.

Allele frequency attached by ClinVar (database versions not stated): 1000 Genomes Project 30x 0.01093; 1000 Genomes Project 0.01138; gnomAD 0.01332; TOPMed 0.01450.
gnomAD v4.1: 2,620 of 602,650 alleles (0.43%); highest among the groups gnomAD compares: African/African-American, 4.4%; 60 homozygotes.

Submissions (3):

GeneDx
Classification: Likely benign. Last evaluated: 2018-06-28. Review status: criteria provided, single submitter. Criteria: GeneDx Variant Classification Process June 2021. Collection method: clinical testing. Allele origin: germline. Affected: yes.

Illumina Laboratory Services, Illumina
Classification: Benign for Sideroblastic anemia 2. Last evaluated: 2018-01-13. Review status: criteria provided, single submitter. Criteria: ICSL Variant Classification Criteria 13 December 2019. Collection method: clinical testing. Allele origin: germline.
Comment: This variant was observed in the ICSL laboratory as part of a predisposition screen in an ostensibly healthy population. It had not been previously curated by ICSL or reported in the Human Gene Mutation Database (HGMD: prior to June 1st, 2018), and was therefore a candidate for classification through an automated scoring system. Utilizing variant allele frequency, disease prevalence and penetrance estimates, and inheritance mode, an automated score was calculated to assess if this variant is too frequent to cause the disease. Based on the score and internal cut-off values, a variant classified as benign is not then subjected to further curation. The score for this variant resulted in a classification of benign for this disease.

Breakthrough Genomics
Classification: Likely benign. Review status: criteria provided, single submitter. Criteria: ACMG Guidelines, 2015. Collection method: not provided. Allele origin: germline. Inheritance: Autosomal recessive inheritance. Affected: yes.